The following is an entry in ClinVar:

NM_025179.4(PLXNA2):c.2525C>T (p.Ser842Phe)

Gene: PLXNA2 (plexin A2; minus strand). Cytogenetic location: 1q32.2.
Variant type: single nucleotide variant.
Coding change: c.2525C>T on transcript NM_025179.4 (MANE Select); coding-DNA position 2525, C replaced by T.
Protein change: p.Ser842Phe; replaces serine 842 with phenylalanine.
Molecular consequence: missense variant.
Genome position (GRCh38, 1-based): chr1:208,079,321, G>A on the plus strand (C>T on the coding strand, the complement: PLXNA2 is on the minus strand). VCF-style: chr1-208079321-G-A. GRCh37 (hg19) VCF-style: chr1-208252666-G-A.
Other names: c.2525C>T (NM_025179.3); short protein forms S842F.
Identifiers: ClinVar variation 1078560 (VCV001078560.11), dbSNP rs143711247, ClinGen allele CA1373488.

ClinVar aggregate classification (germline): Likely benign. Review status: criteria provided, single submitter (1 of 4 stars). 2 submissions from 2 submitters: Likely benign (1). 1 of the submissions does not count toward it. Last evaluated 2025-11-05.

Conditions:
PLXNA2-related disorder. Also called: PLXNA2-related condition.

Allele frequency attached by ClinVar (database versions not stated): ESP Exome Variant Server 0.00138; 1000 Genomes Project 30x 0.00016; 1000 Genomes Project 0.00020.
gnomAD v4.1: 3,649 of 1,613,532 alleles (0.23%); highest among the groups gnomAD compares: Non-Finnish European, 0.26%; 6 homozygotes.

Submissions (2):

Labcorp Genetics (formerly Invitae), Labcorp
Classification: Likely benign. Last evaluated: 2025-11-05. Review status: criteria provided, single submitter. Criteria: Invitae Variant Classification Sherloc (09022015). Collection method: clinical testing. Allele origin: germline.

PreventionGenetics, part of Exact Sciences
Classification: Likely benign for PLXNA2-related condition. Last evaluated: 2021-06-01. Review status: no assertion criteria provided. Collection method: clinical testing. Allele origin: germline. Not counted in ClinVar's aggregate classification.
Comment: This variant is classified as likely benign based on ACMG/AMP sequence variant interpretation guidelines (Richards et al. 2015 PMID: 25741868, with internal and published modifications).